The following is an entry in ClinVar:

NM_000535.7(PMS2):c.1963G>A (p.Gly655Arg)

Gene: PMS2 (PMS1 homolog 2, mismatch repair system component; minus strand). Cytogenetic location: 7p22.1.
Variant type: single nucleotide variant.
Coding change: c.1963G>A on transcript NM_000535.7 (MANE Select); coding-DNA position 1963, G replaced by A.
Protein change: p.Gly655Arg; replaces glycine 655 with arginine.
Molecular consequence: missense variant. On other transcripts: non-coding transcript variant (1).
Genome position (GRCh38, 1-based): chr7:5,986,802, C>T on the plus strand (G>A on the coding strand, the complement: PMS2 is on the minus strand). VCF-style: chr7-5986802-C-T. GRCh37 (hg19) VCF-style: chr7-6026433-C-T.
Other names: c.1558G>A, p.Gly520Arg (NM_001322003.2, NM_001322004.2, NM_001322005.2 and 1 more transcripts); c.1807G>A, p.Gly603Arg (NM_001322006.2); c.1645G>A, p.Gly549Arg (NM_001322007.2, NM_001322008.2); c.1402G>A, p.Gly468Arg (NM_001322010.2); c.1030G>A, p.Gly344Arg (NM_001322011.2, NM_001322012.2); c.1390G>A, p.Gly464Arg (NM_001322013.2); c.1963G>A, p.Gly655Arg (NM_001322014.2); c.1654G>A, p.Gly552Arg (NM_001322015.2); short protein forms G655R, G549R, G520R, G344R, G468R, G603R, G464R, G552R.
Identifiers: ClinVar variation 418419 (VCV000418419.26), dbSNP rs1064793236, ClinGen allele CA16618496.
Genomic context (GRCh38, chr7:5,986,802, plus strand): 5'-AAAAATTAAAACTTTACCTTATCTCTTTTCTTAGTTCATCTTCGGCTGCTTGATTTTCTC[C>T]AGGACAAATCTTTGCCCTAAACTTCCTGTAATTCTGTTCCCCTTCACTTTGCTGTGCTTC-3'
Protein context (NP_000526.2, residues 645-665): YRKFRAKICP[Gly655Arg]ENQAAEDELR

ClinVar aggregate classification (germline): Conflicting classifications of pathogenicity. Review status: criteria provided, conflicting classifications (1 of 4 stars). 7 submissions from 7 submitters: Uncertain significance (5); Likely benign (1). 1 of the submissions does not count toward it. Last evaluated 2025-11-06.

Conditions:
Lynch syndrome. Identifiers: Orphanet 144, MedGen C4552100, MONDO:0005835. Disease mechanism: loss of function.
Malignant tumor of breast. Also called: Cancer breast; Malignant breast neoplasm. Identifiers: MedGen C0006142, MONDO:0007254. Disease mechanism: loss of function.
Hereditary nonpolyposis colorectal neoplasms. Identifiers: MedGen C0009405, MeSH D003123.
Hereditary cancer-predisposing syndrome. Also called: Hereditary neoplastic syndrome; Tumor predisposition; Neoplastic Syndromes, Hereditary; Hereditary Cancer Syndrome. Identifiers: Orphanet 140162, MedGen C0027672, MeSH D009386, MONDO:0015356.

Allele frequency attached by ClinVar (database versions not stated): gnomAD exomes below 0.00001; gnomAD 0.00001; TOPMed 0.00001.
gnomAD v4.1: 3 of 1,610,420 alleles (0.00019%); highest among the groups gnomAD compares: East Asian, 0.0022%; no homozygotes.

Submissions (7):

Quest Diagnostics Nichols Institute San Juan Capistrano
Classification: Uncertain significance. Last evaluated: 2025-11-06. Review status: criteria provided, single submitter. Criteria: Quest Diagnostics criteria. Collection method: clinical testing. Allele origin: unknown.
Comment: The PMS2 c.1963G>A (p.Gly655Arg) variant has been reported in the published literature in an individual with endometrial cancer (PMID: 32694065 (2020)). The frequency of this variant in the general population (Genome Aggregation Database) is uninformative in the assessment of its pathogenicity. Analysis of this variant using bioinformatics tools for the prediction of the effect of amino acid changes on protein structure and function yielded predictions that this variant is benign. Based on the available information, we are unable to determine the clinical significance of this variant.

Labcorp Genetics (formerly Invitae), Labcorp
Classification: Likely benign for Hereditary nonpolyposis colorectal neoplasms. Last evaluated: 2025-10-27. Review status: criteria provided, single submitter. Criteria: Invitae Variant Classification Sherloc (09022015). Collection method: clinical testing. Allele origin: germline.

Ambry Genetics
Classification: Uncertain significance for Hereditary cancer-predisposing syndrome. Last evaluated: 2024-12-05. Review status: criteria provided, single submitter. Criteria: Ambry Variant Classification Scheme 2023. Collection method: clinical testing. Allele origin: germline.
Comment: The p.G655R variant (also known as c.1963G>A), located in coding exon 11 of the PMS2 gene, results from a G to A substitution at nucleotide position 1963. The glycine at codon 655 is replaced by arginine, an amino acid with dissimilar properties. This amino acid position is highly conserved in available vertebrate species. In addition, the in silico prediction for this alteration is inconclusive. Based on the available evidence, the clinical significance of this variant remains unclear.

All of Us Research Program, National Institutes of Health
Classification: Uncertain significance for Lynch syndrome. Last evaluated: 2023-03-23. Review status: criteria provided, single submitter. Criteria: ACMG Guidelines, 2015. Collection method: clinical testing. Allele origin: germline. Inheritance: Autosomal dominant inheritance. Observed: 1 variant allele, 1 heterozygote.
Comment: This missense variant replaces glycine with arginine at codon 655 of the PMS2 protein. Computational prediction suggests that this variant may not impact protein structure and function (internally defined REVEL score threshold <= 0.5, PMID: 27666373). To our knowledge, functional studies have not been reported for this variant. This variant has not been reported in individuals affected with PMS2-related disorders in the literature. This variant has not been identified in the general population by the Genome Aggregation Database (gnomAD). The available evidence is insufficient to determine the role of this variant in disease conclusively. Therefore, this variant is classified as a Variant of Uncertain Significance.

This study involves interpretation of variants in research participants for the purpose of population health screening. Participant phenotype was not available at the time of variant classification. Additional details can be found in publication PMID: 35346344, PMCID: PMC8962531

Color Diagnostics, LLC DBA Color Health
Classification: Uncertain significance for Hereditary cancer-predisposing syndrome. Last evaluated: 2023-02-28. Review status: criteria provided, single submitter. Criteria: ACMG Guidelines, 2015. Collection method: clinical testing. Allele origin: germline.
Comment: This missense variant replaces glycine with arginine at codon 655 of the PMS2 protein. Computational prediction suggests that this variant may not impact protein structure and function (internally defined REVEL score threshold <= 0.5, PMID: 27666373). To our knowledge, functional studies have not been reported for this variant. This variant has not been reported in individuals affected with PMS2-related disorders in the literature. This variant has not been identified in the general population by the Genome Aggregation Database (gnomAD). The available evidence is insufficient to determine the role of this variant in disease conclusively. Therefore, this variant is classified as a Variant of Uncertain Significance.

GeneDx
Classification: Uncertain significance. Last evaluated: 2018-12-21. Review status: criteria provided, single submitter. Criteria: GeneDx Variant Classification (06012015). Collection method: clinical testing. Allele origin: germline. Affected: yes.
Comment: This variant is denoted PMS2 c.1963G>A at the cDNA level, p.Gly655Arg (G655R) at the protein level, and results in the change of a Glycine to an Arginine (GGA>AGA). This variant has not, to our knowledge, been published in the literature as a pathogenic or benign germline variant. PMS2 Gly655Arg was not observed in large population cohorts (Lek 2016). This variant is located in the MLH1 interaction domain (Kondo 2001). In silico analysis, which includes protein predictors and evolutionary conservation, supports a deleterious effect. Based on currently available evidence, it is unclear whether PMS2 Gly655Arg is a pathogenic or benign variant. We consider it to be a variant of uncertain significance.

Department of Pathology and Laboratory Medicine, Sinai Health System
Classification: Uncertain significance for Malignant tumor of breast. Review status: no assertion criteria provided. Collection method: clinical testing. Allele origin: unknown. Affected: yes. Study: The Canadian Open Genetics Repository (COGR). Not counted in ClinVar's aggregate classification.
Comment: The PMS2 p.Gly655Arg variant was not identified in the literature nor was it identified in the dbSNP, Cosmic, MutDB, Insight Colon Cancer Gene Variant Database, Zhejiang Colon Cancer Database, Mismatch Repair Genes Variant Database, Insight Hereditary Tumors Database, databases. The variant was identified in ClinVar (1x, as uncertain significance by GeneDx), Clinvitae (1x, as uncertain significance by ClinVar), databases. The variant was not identified in the 1000 Genomes Project, the NHLBI GO Exome Sequencing Project or the Exome Aggregation Consortium (August 8th 2016) control databases. The variant occurs outside of the splicing consensus sequence and 1 of 5 in silico or computational prediction software programs (SpliceSiteFinder, MaxEntScan, NNSPLICE, GeneSplicer, HumanSpliceFinder) predict a greater than 10% difference in splicing; this is not very predictive of pathogenicity. In summary, based on the above information the clinical significance of this variant cannot be determined with certainty at this time. This variant is classified as a variant of uncertain significance.

Literature cited by the submitters: PubMed 32694065 (cited by Quest Diagnostics Nichols Institute San Juan Capistrano).